The following is an entry in ClinVar:

ClinVar aggregate classification (germline): Conflicting classifications of pathogenicity. Review status: criteria provided, conflicting classifications (1 of 4 stars). 3 submissions from 3 submitters: Uncertain significance (1); Likely benign (2). Last evaluated 2025-12-20.

Conditions:
Inborn genetic diseases. Identifiers: MedGen C0950123, MeSH D030342.
Propionic acidemia (PROP). Also called: GLYCINEMIA, KETOTIC; HYPERGLYCINEMIA WITH KETOACIDOSIS AND LEUKOPENIA; KETOTIC HYPERGLYCINEMIA. Identifiers: Orphanet 35, MedGen C0268579, MONDO:0011628, OMIM 606054, HP:0003571.

Allele frequency attached by ClinVar (database versions not stated): ExAC 0.00002; gnomAD 0.00002; TOPMed 0.00002; gnomAD exomes 0.00003 and 0.00005; ESP Exome Variant Server 0.00015.
gnomAD v4.1: 72 of 1,605,222 alleles (0.0045%); highest among the groups gnomAD compares: Non-Finnish European, 0.006%; no homozygotes.

Submissions (3):

Labcorp Genetics (formerly Invitae), Labcorp
Classification: Likely benign for Propionic acidemia. Last evaluated: 2025-12-20. Review status: criteria provided, single submitter. Criteria: Invitae Variant Classification Sherloc (09022015). Collection method: clinical testing. Allele origin: germline.

Ambry Genetics
Classification: Uncertain significance for Inborn genetic diseases. Last evaluated: 2021-11-19. Review status: criteria provided, single submitter. Criteria: Ambry Variant Classification Scheme 2023. Collection method: clinical testing. Allele origin: germline.
Comment: The c.1285-4C>T intronic alteration consists of a C to T substitution 4 nucleotides before coding exon 15 in the PCCA gene. Based on insufficient or conflicting evidence, the clinical significance of this alteration remains unclear.

GeneDx
Classification: Likely benign. Last evaluated: 2016-04-12. Review status: criteria provided, single submitter. Criteria: GeneDx Variant Classification (06012015). Collection method: clinical testing. Allele origin: germline. Affected: yes.
Comment: This variant is considered likely benign or benign based on one or more of the following criteria: it is a conservative change, it occurs at a poorly conserved position in the protein, it is predicted to be benign by multiple in silico algorithms, and/or has population frequency not consistent with disease.

NM_000282.4(PCCA):c.1285-4C>T

Gene: PCCA (propionyl-CoA carboxylase subunit alpha; plus strand). Cytogenetic location: 13q32.3.
Variant type: single nucleotide variant.
Coding change: c.1285-4C>T on transcript NM_000282.4 (MANE Select); 4 bases into the intron before coding-DNA position 1285, C replaced by T.
Molecular consequence: intron variant.
Genome position (GRCh38, 1-based): chr13:100,307,188, C>T. VCF-style: chr13-100307188-C-T. GRCh37 (hg19) VCF-style: chr13-100959442-C-T.
Other names: c.1285-4C>T (NM_001178004.2, NM_001352605.2, NM_001352609.2); c.1141-4C>T (NM_001352606.2); c.340-4C>T (NM_001352610.2, NM_001352611.2); c.196-4C>T (NM_001352612.2); c.1207-4C>T (NM_001127692.3, NM_001352607.2); c.1063-4C>T (NM_001352608.2).
Identifiers: ClinVar variation 384993 (VCV000384993.12), dbSNP rs372262089, ClinGen allele CA7033599.